The following is an entry in ClinVar:

ClinVar aggregate classification (germline): Likely pathogenic. Review status: criteria provided, multiple submitters, no conflicts (2 of 4 stars). 2 submissions from 2 submitters: Likely pathogenic (2). Last evaluated 2025-08-31.

Conditions:
Autosomal recessive limb-girdle muscular dystrophy type 2E (LGMDR4). Also called: MUSCULAR DYSTROPHY, LIMB-GIRDLE, AUTOSOMAL RECESSIVE 4. Identifiers: Orphanet 119, MedGen C1858593, MONDO:0011423, OMIM 604286. Disease mechanism: Affects gamma-sarcoglycan and also disrupts the integrity of the entire sarcoglycan complex..

Submissions (2):

Natera, Inc.
Classification: Likely pathogenic for Limb-girdle muscular dystrophy type 2E. Last evaluated: 2025-08-31. Review status: criteria provided, single submitter. Criteria: Natera Variant Classification Schema (03/2026). Collection method: clinical testing. Allele origin: germline.
Comment: The c.3G>A variant in SGCB is predicted to result in start loss due to disruption of the initiator methionine. This variant is expected to result in nonsense mediated decay, truncation, or a dysfunctional protein product. This variant is rare in the general population with a frequency below the threshold expected for the associated phenotype(s). Given the available evidence, this variant is classified as Likely Pathogenic.

3billion
Classification: Likely pathogenic for Autosomal recessive limb-girdle muscular dystrophy type 2E. Last evaluated: 2024-11-01. Review status: criteria provided, single submitter. Criteria: ACMG Guidelines, 2015. Collection method: clinical testing. Allele origin: germline. Affected: yes.
Comment: The variant is observed at an extremely low frequency in the gnomAD v4.1.0 dataset (total allele frequency: <0.001%). Predicted Consequence/Location: Start-lost: reinitiation of translation may occur at a downstream alternate start codon but still result in a loss or disruption of normal protein function as there have been pathogenic variants reported upstream of the alternate start codon. The variant has been reported to be in trans with a pathogenic variant as either compound heterozygous or homozygous in at least one similarly affected unrelated individual (3billion dataset). Therefore, this variant is classified as Likely pathogenic according to the recommendation of ACMG/AMP guideline.

NM_000232.5(SGCB):c.3G>A (p.Met1Ile)

Genes: SGCB (sarcoglycan beta; minus strand), LOC129992585 (ATAC-STARR-seq lymphoblastoid silent region 15421; plus strand). Cytogenetic location: 4q12.
Variant type: single nucleotide variant.
Coding change: c.3G>A on transcript NM_000232.5 (MANE Select); coding-DNA position 3, G replaced by A.
Protein change: p.Met1Ile; changes the start codon (methionine 1).
Molecular consequence: missense variant, initiator codon variant. On other transcripts: 5 prime UTR variant (1).
Genome position (GRCh38, 1-based): chr4:52,038,257, C>T on the plus strand (G>A on the coding strand, the complement: SGCB is on the minus strand). VCF-style: chr4-52038257-C-T. GRCh37 (hg19) VCF-style: chr4-52904423-C-T.
Other names: c.3G>A, p.Met1Ile (NM_001440519.1); c.-405G>A (NM_001440520.1); short protein forms M1I.
Identifiers: ClinVar variation 4293121 (VCV004293121.2).